The following is an entry in ClinVar:

NM_006031.6(PCNT):c.9247C>T (p.His3083Tyr)

Gene: PCNT (pericentrin; plus strand). Cytogenetic location: 21q22.3.
Variant type: single nucleotide variant.
Coding change: c.9247C>T on transcript NM_006031.6 (MANE Select); coding-DNA position 9247, C replaced by T.
Protein change: p.His3083Tyr; replaces histidine 3083 with tyrosine.
Molecular consequence: missense variant.
Genome position (GRCh38, 1-based): chr21:46,438,311, C>T. VCF-style: chr21-46438311-C-T. GRCh37 (hg19) VCF-style: chr21-47858224-C-T.
Other names: c.8656C>T, p.His2886Tyr (NM_001315529.2); short protein forms H3083Y, H2886Y.
Identifiers: ClinVar variation 502487 (VCV000502487.25), dbSNP rs143289533, ClinGen allele CA10081239.

ClinVar aggregate classification (germline): Likely benign. Review status: criteria provided, multiple submitters, no conflicts (2 of 4 stars). 5 submissions from 5 submitters: Likely benign (4). 1 of the submissions does not count toward it. Last evaluated 2026-01-09.

Conditions:
PCNT-related disorder. Also called: PCNT-related condition.
Microcephalic osteodysplastic primordial dwarfism type II (MOPD2). Also called: MOPD II; OSTEODYSPLASTIC PRIMORDIAL DWARFISM, TYPE II; Microcephalic osteodysplastic primordial dwarfism with tooth abnormalities. Identifiers: Orphanet 2637, MedGen C0432246, MONDO:0008872, OMIM 210720.

Allele frequency attached by ClinVar (database versions not stated): gnomAD exomes 0.00015 and 0.00043; ExAC 0.00050; 1000 Genomes Project 30x 0.00094; 1000 Genomes Project 0.00100; gnomAD 0.00164 and 0.00179; TOPMed 0.00174; ESP Exome Variant Server 0.00185.
gnomAD v4.1: 473 of 1,614,106 alleles (0.029%); highest among the groups gnomAD compares: African/African-American, 0.56%; 2 homozygotes.

Submissions (5):

Labcorp Genetics (formerly Invitae), Labcorp
Classification: Likely benign. Last evaluated: 2026-01-09. Review status: criteria provided, single submitter. Criteria: Invitae Variant Classification Sherloc (09022015). Collection method: clinical testing. Allele origin: germline.

GeneDx
Classification: Likely benign. Last evaluated: 2021-05-10. Review status: criteria provided, single submitter. Criteria: GeneDx Variant Classification Process June 2021. Collection method: clinical testing. Allele origin: germline. Affected: yes.

ARUP Laboratories, Molecular Genetics and Genomics, ARUP Laboratories
Classification: Likely benign for Microcephalic osteodysplastic primordial dwarfism type II. Last evaluated: 2020-03-12. Review status: criteria provided, single submitter. Criteria: ARUP Molecular Germline Variant Investigation Process. Collection method: clinical testing. Allele origin: germline.

Eurofins Ntd Llc (ga)
Classification: Likely benign. Last evaluated: 2017-06-20. Review status: criteria provided, single submitter. Criteria: EGL Classification Definitions 2015. Collection method: clinical testing. Allele origin: germline. Observed: 1 variant allele, 1 heterozygote.

PreventionGenetics, part of Exact Sciences
Classification: Likely benign for PCNT-related condition. Last evaluated: 2020-01-02. Review status: no assertion criteria provided. Collection method: clinical testing. Allele origin: germline. Not counted in ClinVar's aggregate classification.
Comment: This variant is classified as likely benign based on ACMG/AMP sequence variant interpretation guidelines (Richards et al. 2015 PMID: 25741868, with internal and published modifications).